The following is an entry in ClinVar:

NM_001271.4(CHD2):c.5476C>G (p.Arg1826Gly)

Gene: CHD2 (chromodomain helicase DNA binding protein 2; plus strand). Cytogenetic location: 15q26.1.
Variant type: single nucleotide variant.
Coding change: c.5476C>G on transcript NM_001271.4 (MANE Select); coding-DNA position 5476, C replaced by G.
Protein change: p.Arg1826Gly; replaces arginine 1826 with glycine.
Molecular consequence: missense variant.
Genome position (GRCh38, 1-based): chr15:93,024,694, C>G. VCF-style: chr15-93024694-C-G. GRCh37 (hg19) VCF-style: chr15-93567924-C-G.
Other names: short protein forms R1826G.
Identifiers: ClinVar variation 1961085 (VCV001961085.5), dbSNP rs759398974, ClinGen allele CA393908876.

ClinVar aggregate classification (germline): Uncertain significance (1 of 4 stars; one submission).

Conditions:
Developmental and epileptic encephalopathy 94 (DEE94). Also called: CHD2-Related Neurodevelopmental Disorders; Epileptic encephalopathy, childhood-onset. Identifiers: Orphanet 1942, Orphanet 2382, MedGen C3809278, MONDO:0014150, OMIM 615369.

gnomAD v4.1: 1 of 1,609,448 alleles (0.000062%); highest among the groups gnomAD compares: Non-Finnish European, 0.000085%; no homozygotes.

Submission:

Labcorp Genetics (formerly Invitae), Labcorp
Classification: Uncertain significance for Developmental and epileptic encephalopathy 94. Last evaluated: 2022-08-09. Review status: criteria provided, single submitter. Criteria: Invitae Variant Classification Sherloc (09022015). Collection method: clinical testing. Allele origin: germline.
Comment: In summary, the available evidence is currently insufficient to determine the role of this variant in disease. Therefore, it has been classified as a Variant of Uncertain Significance. Advanced modeling of protein sequence and biophysical properties (such as structural, functional, and spatial information, amino acid conservation, physicochemical variation, residue mobility, and thermodynamic stability) performed at Invitae indicates that this missense variant is not expected to disrupt CHD2 protein function. This sequence change replaces arginine, which is basic and polar, with glycine, which is neutral and non-polar, at codon 1826 of the CHD2 protein (p.Arg1826Gly). This variant is not present in population databases (gnomAD no frequency). This variant has not been reported in the literature in individuals affected with CHD2-related conditions.